The following is an entry in ClinVar:

ClinVar aggregate classification (germline): Uncertain significance (1 of 4 stars; one submission).

Submission:

Labcorp Genetics (formerly Invitae), Labcorp
Classification: Uncertain significance. Last evaluated: 2023-08-23. Review status: criteria provided, single submitter. Criteria: Invitae Variant Classification Sherloc (09022015). Collection method: clinical testing. Allele origin: germline.
Comment: In summary, the available evidence is currently insufficient to determine the role of this variant in disease. Therefore, it has been classified as a Variant of Uncertain Significance. Advanced modeling of protein sequence and biophysical properties (such as structural, functional, and spatial information, amino acid conservation, physicochemical variation, residue mobility, and thermodynamic stability) performed at Invitae indicates that this missense variant is expected to disrupt FH protein function. This variant has not been reported in the literature in individuals affected with FH-related conditions. This variant is not present in population databases (gnomAD no frequency). This sequence change replaces alanine, which is neutral and non-polar, with proline, which is neutral and non-polar, at codon 320 of the FH protein (p.Ala320Pro).

NM_000143.4(FH):c.958G>C (p.Ala320Pro)

Gene: FH (fumarate hydratase; minus strand). Cytogenetic location: 1q43.
Variant type: single nucleotide variant.
Coding change: c.958G>C on transcript NM_000143.4 (MANE Select); coding-DNA position 958, G replaced by C.
Protein change: p.Ala320Pro; replaces alanine 320 with proline.
Molecular consequence: missense variant.
Genome position (GRCh38, 1-based): chr1:241,504,192, C>G on the plus strand (G>C on the coding strand, the complement: FH is on the minus strand). VCF-style: chr1-241504192-C-G. GRCh37 (hg19) VCF-style: chr1-241667492-C-G.
Other names: short protein forms A320P.
Identifiers: ClinVar variation 2754594 (VCV002754594.3), dbSNP rs766441385, ClinGen allele CA345438332.